The following is an entry in ClinVar:

NM_004287.5(GOSR2):c.272G>A (p.Arg91His)

Genes: GOSR2 (golgi SNAP receptor complex member 2; plus strand), LRRC37A2 (leucine rich repeat containing 37 member A2), LOC126862578 (BRD4-independent group 4 enhancer GRCh37_chr17:45008344-45009543; plus strand). Cytogenetic location: 17q21.32.
Variant type: single nucleotide variant.
Coding change: c.272G>A on transcript NM_004287.5 (MANE Select); coding-DNA position 272, G replaced by A.
Protein change: p.Arg91His; replaces arginine 91 with histidine.
Molecular consequence: missense variant. On other transcripts: non-coding transcript variant (3).
Genome position (GRCh38, 1-based): chr17:46,932,135, G>A. VCF-style: chr17-46932135-G-A. GRCh37 (hg19) VCF-style: chr17-45009501-G-A.
Other names: p.Arg91His; c.272G>A, p.Arg91His (NM_001012511.3, NM_001321133.2, NM_001330252.2 and 1 more transcripts); c.218G>A, p.Arg73His (NM_001321134.2, NM_001363851.2); c.269G>A, p.Arg90His (NM_001353114.2, NM_001353115.2, NM_001353116.2); c.272G>A (NM_004287.4); short protein forms R91H, R73H, R90H.
Identifiers: ClinVar variation 641335 (VCV000641335.6), dbSNP rs145168042, ClinGen allele CA8621221.

ClinVar aggregate classification (germline): Uncertain significance. Review status: criteria provided, multiple submitters, no conflicts (2 of 4 stars). 3 submissions from 3 submitters: Uncertain significance (3). Last evaluated 2024-05-29.

Conditions:
Progressive myoclonic epilepsy. Also called: Myoclonic Epilepsies, Progressive; Familial progressive myoclonic epilepsy; Myoclonus epilepsy; Progressive myoclonus epilepsy. Identifiers: Orphanet 308, Orphanet 98261, MedGen C0751778, MONDO:0020074.

Allele frequency attached by ClinVar (database versions not stated): gnomAD exomes 0.00001; ExAC 0.00002; gnomAD 0.00004; ESP Exome Variant Server 0.00008; TOPMed 0.00008; 1000 Genomes Project 30x 0.00016; 1000 Genomes Project 0.00020.
gnomAD v4.1: 29 of 1,614,062 alleles (0.0018%); highest among the groups gnomAD compares: Middle Eastern, 0.016%; no homozygotes.

Submissions (3):

Mayo Clinic Laboratories, Mayo Clinic
Classification: Uncertain significance. Last evaluated: 2024-05-29. Review status: criteria provided, single submitter. Criteria: ACMG Guidelines, 2015. Collection method: clinical testing. Allele origin: germline. Observed: 1 variant allele.
Comment: PM2

GeneDx
Classification: Uncertain significance. Last evaluated: 2023-11-30. Review status: criteria provided, single submitter. Criteria: GeneDx Variant Classification Process June 2021. Collection method: clinical testing. Allele origin: germline. Affected: yes.
Comment: Not observed at significant frequency in large population cohorts (gnomAD); In silico analysis supports that this missense variant has a deleterious effect on protein structure/function; Has not been previously published as pathogenic or benign to our knowledge

Labcorp Genetics (formerly Invitae), Labcorp
Classification: Uncertain significance for Progressive myoclonic epilepsy. Last evaluated: 2022-09-27. Review status: criteria provided, single submitter. Criteria: Invitae Variant Classification Sherloc (09022015). Collection method: clinical testing. Allele origin: germline.
Comment: This sequence change replaces arginine, which is basic and polar, with histidine, which is basic and polar, at codon 91 of the GOSR2 protein (p.Arg91His). The frequency data for this variant in the population databases is considered unreliable, as metrics indicate poor data quality at this position in the gnomAD database. This variant has not been reported in the literature in individuals affected with GOSR2-related conditions. ClinVar contains an entry for this variant (Variation ID: 641335). Algorithms developed to predict the effect of missense changes on protein structure and function are either unavailable or do not agree on the potential impact of this missense change (SIFT: "Deleterious"; PolyPhen-2: "Possibly Damaging"; Align-GVGD: "Class C0"). In summary, the available evidence is currently insufficient to determine the role of this variant in disease. Therefore, it has been classified as a Variant of Uncertain Significance.